The following is an entry in ClinVar:

NM_201525.4(ADGRG1):c.268T>G (p.Phe90Val)

Gene: ADGRG1 (adhesion G protein-coupled receptor G1; plus strand). Cytogenetic location: 16q21.
Variant type: single nucleotide variant.
Coding change: c.268T>G on transcript NM_201525.4 (MANE Select); coding-DNA position 268, T replaced by G.
Protein change: p.Phe90Val; replaces phenylalanine 90 with valine.
Molecular consequence: missense variant. On other transcripts: 5 prime UTR variant (5), intron variant (1).
Genome position (GRCh38, 1-based): chr16:57,651,403, T>G. VCF-style: chr16-57651403-T-G. GRCh37 (hg19) VCF-style: chr16-57685315-T-G.
Other names: c.268T>G, p.Phe90Val (NM_001370430.1, NM_001370431.1, NM_001370432.1 and 16 more transcripts); c.283T>G, p.Phe95Val (NM_001370433.1, NM_001145773.3); c.-258T>G (NM_001290143.2, NM_001290144.2, NM_001370451.1 and 2 more transcripts); c.112T>G, p.Phe38Val (NM_001370442.1); c.110+158T>G (NM_001290142.2); short protein forms F38V, F95V, F90V.
Identifiers: ClinVar variation 1465222 (VCV001465222.6), dbSNP rs1317601100, ClinGen allele CA396042845.

ClinVar aggregate classification (germline): Uncertain significance (1 of 4 stars; one submission).

Submission:

Labcorp Genetics (formerly Invitae), Labcorp
Classification: Uncertain significance. Last evaluated: 2022-06-05. Review status: criteria provided, single submitter. Criteria: Invitae Variant Classification Sherloc (09022015). Collection method: clinical testing. Allele origin: germline.
Comment: This variant is not present in population databases (gnomAD no frequency). This variant has not been reported in the literature in individuals affected with ADGRG1-related conditions. ClinVar contains an entry for this variant (Variation ID: 1465222). Advanced modeling of protein sequence and biophysical properties (such as structural, functional, and spatial information, amino acid conservation, physicochemical variation, residue mobility, and thermodynamic stability) performed at Invitae indicates that this missense variant is expected to disrupt ADGRG1 protein function. In summary, the available evidence is currently insufficient to determine the role of this variant in disease. Therefore, it has been classified as a Variant of Uncertain Significance. This sequence change replaces phenylalanine, which is neutral and non-polar, with valine, which is neutral and non-polar, at codon 90 of the ADGRG1 protein (p.Phe90Val).